The following is an entry in ClinVar:

ClinVar aggregate classification (germline): Uncertain significance (1 of 4 stars; one submission).

Allele frequency attached by ClinVar (database versions not stated): gnomAD 0.00001; TOPMed below 0.00001.
gnomAD v4.1: 21 of 1,584,146 alleles (0.0013%); highest among the groups gnomAD compares: Non-Finnish European, 0.0017%; no homozygotes.

Submission:

Labcorp Genetics (formerly Invitae), Labcorp
Classification: Uncertain significance. Last evaluated: 2022-08-09. Review status: criteria provided, single submitter. Criteria: Invitae Variant Classification Sherloc (09022015). Collection method: clinical testing. Allele origin: germline.
Comment: This sequence change falls in intron 9 of the ASAH1 gene. It does not directly change the encoded amino acid sequence of the ASAH1 protein. It affects a nucleotide within the consensus splice site. This variant is present in population databases (no rsID available, gnomAD 0.007%). This variant has not been reported in the literature in individuals affected with ASAH1-related conditions. ClinVar contains an entry for this variant (Variation ID: 1427198). Variants that disrupt the consensus splice site are a relatively common cause of aberrant splicing (PMID: 17576681, 9536098). Algorithms developed to predict the effect of sequence changes on RNA splicing suggest that this variant is not likely to affect RNA splicing. In summary, the available evidence is currently insufficient to determine the role of this variant in disease. Therefore, it has been classified as a Variant of Uncertain Significance.

Literature cited by the submitters: PubMed 17576681; PubMed 9536098.

NM_177924.5(ASAH1):c.703+6T>C

Gene: ASAH1 (N-acylsphingosine amidohydrolase 1; minus strand). Cytogenetic location: 8p22.
Variant type: single nucleotide variant.
Coding change: c.703+6T>C on transcript NM_177924.5 (MANE Select); 6 bases into the intron after coding-DNA position 703, T replaced by C.
Molecular consequence: intron variant.
Genome position (GRCh38, 1-based): chr8:18,061,680, A>G on the plus strand (T>C on the coding strand, the complement: ASAH1 is on the minus strand). VCF-style: chr8-18061680-A-G. GRCh37 (hg19) VCF-style: chr8-17919189-A-G.
Other names: c.751+6T>C (NM_004315.6); c.685+6T>C (NM_001127505.3); c.508+6T>C (NM_001363743.2).
Identifiers: ClinVar variation 1427198 (VCV001427198.3), dbSNP rs375599238, ClinGen allele CA580091092.
Genomic context (GRCh38, chr8:18,061,680, plus strand): 5'-CACAGTCCAGCCTTCCTCATAAAAAAGCTCTGAGATTCCCATTTCACTTGAGAATGCTCT[A>G]CTTACCCAGATAACCACCATTTATACTGAAACGTTCATTCAGTGTAAGACTGAACAGTCC-3'